The following is an entry in ClinVar:

NM_001127208.3(TET2):c.719T>C (p.Ile240Thr)

Genes: TET2 (tet methylcytosine dioxygenase 2; plus strand), TET2-AS1 (TET2 antisense RNA 1; minus strand). Cytogenetic location: 4q24.
Variant type: single nucleotide variant.
Coding change: c.719T>C on transcript NM_001127208.3 (MANE Select); coding-DNA position 719, T replaced by C.
Protein change: p.Ile240Thr; replaces isoleucine 240 with threonine.
Molecular consequence: missense variant.
Genome position (GRCh38, 1-based): chr4:105,234,661, T>C. VCF-style: chr4-105234661-T-C. GRCh37 (hg19) VCF-style: chr4-106155818-T-C.
Other names: c.719T>C, p.Ile240Thr (NM_017628.4); short protein forms I240T.
Identifiers: ClinVar variation 3805960 (VCV003805960.1).

ClinVar aggregate classification (germline): Uncertain significance (1 of 4 stars; one submission).

Submission:

Ambry Genetics
Classification: Uncertain significance. Last evaluated: 2025-01-13. Review status: criteria provided, single submitter. Criteria: Ambry Variant Classification Scheme 2023. Collection method: clinical testing. Allele origin: germline.
Comment: The p.I240T variant (also known as c.719T>C), located in coding exon 1 of the TET2 gene, results from a T to C substitution at nucleotide position 719. The isoleucine at codon 240 is replaced by threonine, an amino acid with similar properties. This amino acid position is conserved. In addition, this alteration is predicted to be tolerated by in silico analysis. Based on the available evidence, the clinical significance of this variant remains unclear.